The following is an entry in ClinVar:

ClinVar aggregate classification (germline): Uncertain significance (1 of 4 stars; one submission).

Conditions:
Developmental and epileptic encephalopathy 94 (DEE94). Also called: Epileptic encephalopathy, childhood-onset; CHD2-Related Neurodevelopmental Disorders. Identifiers: Orphanet 1942, Orphanet 2382, MedGen C3809278, MONDO:0014150, OMIM 615369.

Allele frequency attached by ClinVar (database versions not stated): ExAC 0.00001; gnomAD exomes 0.00001 and 0.00002.
gnomAD v4.1: 21 of 1,600,118 alleles (0.0013%); highest among the groups gnomAD compares: Admixed American, 0.0018%; no homozygotes.

Submission:

Labcorp Genetics (formerly Invitae), Labcorp
Classification: Uncertain significance for Developmental and epileptic encephalopathy 94. Last evaluated: 2019-10-25. Review status: criteria provided, single submitter. Criteria: Invitae Variant Classification Sherloc (09022015). Collection method: clinical testing. Allele origin: germline.
Comment: This sequence change replaces serine with threonine at codon 1560 of the CHD2 protein (p.Ser1560Thr). The serine residue is moderately conserved and there is a small physicochemical difference between serine and threonine. This variant is present in population databases (rs747637652, ExAC 0.002%). This variant has not been reported in the literature in individuals with CHD2-related conditions. Algorithms developed to predict the effect of missense changes on protein structure and function are either unavailable or do not agree on the potential impact of this missense change (SIFT: "Deleterious"; PolyPhen-2: "Possibly Damaging"; Align-GVGD: "Class C0"). In summary, the available evidence is currently insufficient to determine the role of this variant in disease. Therefore, it has been classified as a Variant of Uncertain Significance.

NM_001271.4(CHD2):c.4678T>A (p.Ser1560Thr)

Gene: CHD2 (chromodomain helicase DNA binding protein 2; plus strand). Cytogenetic location: 15q26.1.
Variant type: single nucleotide variant.
Coding change: c.4678T>A on transcript NM_001271.4 (MANE Select); coding-DNA position 4678, T replaced by A.
Protein change: p.Ser1560Thr; replaces serine 1560 with threonine.
Molecular consequence: missense variant.
Genome position (GRCh38, 1-based): chr15:93,012,430, T>A. VCF-style: chr15-93012430-T-A. GRCh37 (hg19) VCF-style: chr15-93555660-T-A.
Other names: short protein forms S1560T.
Identifiers: ClinVar variation 942849 (VCV000942849.10), dbSNP rs747637652, ClinGen allele CA7748524.